The following is an entry in ClinVar:

NM_001042545.2(LTBP4):c.4018C>A (p.Pro1340Thr)

Gene: LTBP4 (latent transforming growth factor beta binding protein 4; plus strand). Cytogenetic location: 19q13.2.
Variant type: single nucleotide variant.
Coding change: c.4018C>A on transcript NM_001042545.2 (MANE Select); coding-DNA position 4018, C replaced by A.
Protein change: p.Pro1340Thr; replaces proline 1340 with threonine.
Molecular consequence: missense variant.
Genome position (GRCh38, 1-based): chr19:40,627,007, C>A. VCF-style: chr19-40627007-C-A. GRCh37 (hg19) VCF-style: chr19-41132912-C-A.
Other names: c.4219C>A, p.Pro1407Thr (NM_001042544.1); c.4108C>A, p.Pro1370Thr (NM_003573.2); short protein forms P1370T, P1340T, P1407T.
Identifiers: ClinVar variation 1910812 (VCV001910812.2), dbSNP rs370767377, ClinGen allele CA9449212.

ClinVar aggregate classification (germline): Uncertain significance (1 of 4 stars; one submission).

gnomAD v4.1: 7 of 1,589,524 alleles (0.00044%); highest among the groups gnomAD compares: African/African-American, 0.004%; no homozygotes.

Submission:

Labcorp Genetics (formerly Invitae), Labcorp
Classification: Uncertain significance. Last evaluated: 2022-07-26. Review status: criteria provided, single submitter. Criteria: Invitae Variant Classification Sherloc (09022015). Collection method: clinical testing. Allele origin: germline.
Comment: This sequence change replaces proline, which is neutral and non-polar, with threonine, which is neutral and polar, at codon 1370 of the LTBP4 protein (p.Pro1370Thr). This variant is present in population databases (rs370767377, gnomAD 0.01%). This variant has not been reported in the literature in individuals affected with LTBP4-related conditions. Experimental studies and prediction algorithms are not available or were not evaluated, and the functional significance of this variant is currently unknown. In summary, the available evidence is currently insufficient to determine the role of this variant in disease. Therefore, it has been classified as a Variant of Uncertain Significance.